The following is an entry in ClinVar:

ClinVar aggregate classification (germline): Likely benign (1 of 4 stars; one submission).

Submission:

GeneDx
Classification: Likely benign. Last evaluated: 2018-02-01. Review status: criteria provided, single submitter. Criteria: GeneDx Variant Classification (06012015). Collection method: clinical testing. Allele origin: germline. Affected: yes.
Comment: This variant is considered likely benign or benign based on one or more of the following criteria: it is a conservative change, it occurs at a poorly conserved position in the protein, it is predicted to be benign by multiple in silico algorithms, and/or has population frequency not consistent with disease.

NM_000256.3(MYBPC3):c.2413+18G>C

Gene: MYBPC3 (myosin binding protein C3; minus strand). Cytogenetic location: 11p11.2.
Variant type: single nucleotide variant.
Coding change: c.2413+18G>C on transcript NM_000256.3 (MANE Select); 18 bases into the intron after coding-DNA position 2413, G replaced by C.
Genome position (GRCh38, 1-based): chr11:47,337,672, C>G on the plus strand (G>C on the coding strand, the complement: MYBPC3 is on the minus strand). VCF-style: chr11-47337672-C-G. GRCh37 (hg19) VCF-style: chr11-47359223-C-G.
Other names: c.2413+18G>C (LRG_386t1).
Identifiers: ClinVar variation 515172 (VCV000515172.1), dbSNP rs768281173, ClinGen allele CA658797626.